The following is an entry in ClinVar:

ClinVar aggregate classification (germline): Uncertain significance (1 of 4 stars; one submission).

Conditions:
Inborn genetic diseases. Identifiers: MedGen C0950123, MeSH D030342.

Submission:

Ambry Genetics
Classification: Uncertain significance for Inborn genetic diseases. Last evaluated: 2020-12-10. Review status: criteria provided, single submitter. Criteria: Ambry Variant Classification Scheme 2023. Collection method: clinical testing. Allele origin: germline.
Comment: The c.10343_10345delCTG (p.A3448del) alteration, located in coding exon 64 of the WDFY3 gene, results from an in-frame 3 nucleotide deletion at nucleotide positions c.10343 to c.10345. This results in the in-frame deletion of a alanine residue at codon 3448. Based on insufficient or conflicting evidence, the clinical significance of this alteration remains unclear.

NM_014991.6(WDFY3):c.10337CTG[2] (p.Ala3448del)

Gene: WDFY3 (WD repeat and FYVE domain containing 3; minus strand). Cytogenetic location: 4q21.23.
Variant type: Microsatellite.
Coding change: c.10337CTG[2] on transcript NM_014991.6 (MANE Select); two copies in a row of the 3-base unit CTG starting at c.10337; the reference has three copies in a row; one copy, 3 bases deleted.
Protein change: p.Ala3448del; deletes alanine 3448.
Molecular consequence: inframe deletion.
Genome position (GRCh38, 1-based): chr4:84,677,311-84,677,313, CAG deleted on the plus strand (CTG on the coding strand, the reverse complement: WDFY3 is on the minus strand); deleting any 3 consecutive bases within chr4:84,677,311-84,677,319 gives the same sequence; the position shown is the placement nearest the transcript's 3' end. VCF-style (leftmost placement, unchanged base first): chr4-84677310-TCAG-T. GRCh37 (hg19) VCF-style: chr4-85598463-TCAG-T.
Other names: short protein forms A3448del.
Identifiers: ClinVar variation 2378927 (VCV002378927.2), dbSNP rs763470727, ClinGen allele CA2991945.